The following is an entry in ClinVar:

ClinVar aggregate classification (germline): Pathogenic (1 of 4 stars; one submission).

Submission:

Labcorp Genetics (formerly Invitae), Labcorp
Classification: Pathogenic. Last evaluated: 2022-06-13. Review status: criteria provided, single submitter. Criteria: Invitae Variant Classification Sherloc (09022015). Collection method: clinical testing. Allele origin: germline.
Comment: This variant is not present in population databases (gnomAD no frequency). Disruption of this splice site has been observed in individuals with cone rod dystrophy or Stargardt disease (PMID: 17325136, 23755871). This sequence change affects a donor splice site in intron 44 of the ABCA4 gene. It is expected to disrupt RNA splicing. Variants that disrupt the donor or acceptor splice site typically lead to a loss of protein function (PMID: 16199547), and loss-of-function variants in ABCA4 are known to be pathogenic (PMID: 10958761, 24938718, 25312043, 26780318). ClinVar contains an entry for this variant (Variation ID: 852872). Algorithms developed to predict the effect of sequence changes on RNA splicing suggest that this variant may disrupt the consensus splice site. For these reasons, this variant has been classified as Pathogenic.

Literature cited by the submitters: PubMed 17325136; PubMed 23755871; PubMed 16199547; PubMed 10958761; PubMed 24938718; PubMed 25312043; PubMed 26780318.

NM_000350.3(ABCA4):c.6147+2T>C

Gene: ABCA4 (ATP binding cassette subfamily A member 4; minus strand). Cytogenetic location: 1p22.1.
Variant type: single nucleotide variant.
Coding change: c.6147+2T>C on transcript NM_000350.3 (MANE Select); the canonical splice donor site of the intron after coding-DNA position 6147, T replaced by C.
Molecular consequence: splice donor variant.
Genome position (GRCh38, 1-based): chr1:94,005,439, A>G on the plus strand (T>C on the coding strand, the complement: ABCA4 is on the minus strand). VCF-style: chr1-94005439-A-G. GRCh37 (hg19) VCF-style: chr1-94470995-A-G.
Identifiers: ClinVar variation 852872 (VCV000852872.10), dbSNP rs1659351072, ClinGen allele CA341278793.
Genomic context (GRCh38, chr1:94,005,439, plus strand): 5'-TCTCATGAAACAGGCTTGTAATTAACCAGACTCCTATGTGGCCACAACAAAACATTTTTC[A>G]CCTTTTCGATTTCTTCTGCTGGTACACCTCGAAGCCGGGCATAAAGGTAAAGATGTTCTC-3'